The following is an entry in ClinVar:

NM_005264.8(GFRA1):c.1252-15C>T

Gene: GFRA1 (GDNF family receptor alpha 1; minus strand). Cytogenetic location: 10q25.3.
Variant type: single nucleotide variant.
Coding change: c.1252-15C>T on transcript NM_005264.8 (MANE Select); 15 bases into the intron before coding-DNA position 1252, C replaced by T.
Molecular consequence: intron variant.
Genome position (GRCh38, 1-based): chr10:116,064,559, G>A on the plus strand (C>T on the coding strand, the complement: GFRA1 is on the minus strand). VCF-style: chr10-116064559-G-A. GRCh37 (hg19) VCF-style: chr10-117824070-G-A.
Other names: c.1237-15C>T (NM_001348096.3, NM_001382560.2, NM_001382558.2 and 5 more transcripts); c.1236+1014C>T (NM_001382561.2); c.1252-15C>T (NM_001348098.4); c.889-15C>T (NM_001348099.3).
Identifiers: ClinVar variation 5007547 (VCV005007547.2).

ClinVar aggregate classification (germline): Uncertain significance (1 of 4 stars; one submission).

Conditions:
Renal hypodysplasia/aplasia 4. Identifiers: MedGen C5676993, MONDO:0030822, OMIM 619887.

Submission:

Juno Genomics, Hangzhou Juno Genomics, Inc
Classification: Uncertain significance for Renal hypodysplasia/aplasia 4. Review status: criteria provided, single submitter. Criteria: ACMG Guidelines, 2015. Collection method: clinical testing. Allele origin: germline.
Comment: Absent from controls (or at extremely low frequency if recessive) in Genome Aggregation Database.